The following is an entry in ClinVar:

NM_001009944.3(PKD1):c.8332_8333dup (p.Glu2779fs)

Gene: PKD1 (polycystin 1, transient receptor potential channel interacting; minus strand). Cytogenetic location: 16p13.3.
Variant type: Duplication.
Coding change: c.8332_8333dup on transcript NM_001009944.3 (MANE Select); coding-DNA positions 8332 to 8333, 2 bases duplicated (GG; older notation c.8332_8333dupGG).
Protein change: p.Glu2779fs; shifts the reading frame from glutamic acid 2779.
Molecular consequence: frameshift variant.
Genome position (GRCh38, 1-based): chr16:2,103,724-2,103,725, CC duplicated on the plus strand (GG on the coding strand, the reverse complement: PKD1 is on the minus strand); duplicating any 2 consecutive bases within chr16:2,103,724-2,103,726 gives the same sequence; the c. name uses the placement nearest the transcript's 3' end. VCF-style (leftmost placement, unchanged base first): chr16-2103723-G-GCC. GRCh37 (hg19) VCF-style: chr16-2153724-G-GCC.
Other names: c.8332_8333dup, p.Glu2779fs (NM_000296.4); c.8332_8333dup (NM_001009944.2); short protein forms E2779fs.
Identifiers: ClinVar variation 4527500 (VCV004527500.1).

ClinVar aggregate classification (germline): Pathogenic (1 of 4 stars; one submission).

Submission:

GeneDx
Classification: Pathogenic. Last evaluated: 2025-05-05. Review status: criteria provided, single submitter. Criteria: GeneDx Variant Classification Process June 2021. Collection method: clinical testing. Allele origin: germline. Affected: yes.
Comment: Frameshift variant predicted to result in protein truncation or nonsense mediated decay in a gene for which loss of function is a known mechanism of disease; Not observed at significant frequency in large population cohorts (gnomAD); Has not been previously published as pathogenic or benign to our knowledge